The following is an entry in ClinVar:

ClinVar aggregate classification (germline): Likely benign. Review status: criteria provided, multiple submitters, no conflicts (2 of 4 stars). 2 submissions from 2 submitters: Likely benign (2). Last evaluated 2026-01-01.

Allele frequency attached by ClinVar (database versions not stated): gnomAD exomes below 0.00001; ExAC 0.00001; TOPMed 0.00002.
gnomAD v4.1: 5 of 1,614,162 alleles (0.00031%); highest among the groups gnomAD compares: Non-Finnish European, 0.00042%; no homozygotes.

Submissions (2):

CeGaT Center for Human Genetics Tuebingen
Classification: Likely benign. Last evaluated: 2026-01-01. Review status: criteria provided, single submitter. Criteria: CeGaT Center For Human Genetics Tuebingen Variant Classification Criteria Version 2. Collection method: clinical testing. Allele origin: germline. Affected: yes. Observed: 2 variant alleles.
Comment: TWNK: BP4

Labcorp Genetics (formerly Invitae), Labcorp
Classification: Likely benign. Last evaluated: 2024-12-05. Review status: criteria provided, single submitter. Criteria: Invitae Variant Classification Sherloc (09022015). Collection method: clinical testing. Allele origin: germline.

NM_021830.5(TWNK):c.1752C>T (p.Asp584=)

Gene: TWNK (twinkle mtDNA helicase; plus strand). Cytogenetic location: 10q24.31.
Variant type: single nucleotide variant.
Coding change: c.1752C>T on transcript NM_021830.5 (MANE Select); coding-DNA position 1752, C replaced by T.
Protein change: p.Asp584=; no amino-acid change (aspartic acid 584 retained).
Molecular consequence: synonymous variant. On other transcripts: 3 prime UTR variant (2), non-coding transcript variant (5).
Genome position (GRCh38, 1-based): chr10:100,993,207, C>T. VCF-style: chr10-100993207-C-T. GRCh37 (hg19) VCF-style: chr10-102752964-C-T.
Other names: c.*47C>T (NM_001163812.2, NM_001163814.2); c.390C>T, p.Asp130= (NM_001163813.2, NM_001368275.1).
Identifiers: ClinVar variation 2640766 (VCV002640766.26), dbSNP rs764798608, ClinGen allele CA5653338.